The following is an entry in ClinVar:

NM_001128225.3(SLC39A13):c.560C>T (p.Ala187Val)

Gene: SLC39A13 (solute carrier family 39 member 13; plus strand). Cytogenetic location: 11p11.2.
Variant type: single nucleotide variant.
Coding change: c.560C>T on transcript NM_001128225.3 (MANE Select); coding-DNA position 560, C replaced by T.
Protein change: p.Ala187Val; replaces alanine 187 with valine.
Molecular consequence: missense variant. On other transcripts: non-coding transcript variant (1), intron variant (4).
Genome position (GRCh38, 1-based): chr11:47,413,422, C>T. VCF-style: chr11-47413422-C-T. GRCh37 (hg19) VCF-style: chr11-47434973-C-T.
Other names: c.560C>T, p.Ala187Val (NM_001330245.2, NM_001441271.1, NM_001441273.1 and 1 more transcripts); c.538-175C>T (NM_001441272.1, NM_001441275.1, NM_001441276.1); c.537+955C>T (NM_001441274.1); short protein forms A187V.
Identifiers: ClinVar variation 4753017 (VCV004753017.1).

ClinVar aggregate classification (germline): Uncertain significance (1 of 4 stars; one submission).

Conditions:
Ehlers-Danlos syndrome, spondylodysplastic type, 3. Also called: Ehlers-Danlos syndrome, spondylocheirodysplastic type. Identifiers: Orphanet 157965, MedGen C2676510, MONDO:0012873, OMIM 612350.

Submission:

Labcorp Genetics (formerly Invitae), Labcorp
Classification: Uncertain significance for Ehlers-Danlos syndrome, spondylodysplastic type, 3. Last evaluated: 2025-07-30. Review status: criteria provided, single submitter. Criteria: Invitae Variant Classification Sherloc (09022015). Collection method: clinical testing. Allele origin: germline.
Comment: This sequence change replaces alanine, which is neutral and non-polar, with valine, which is neutral and non-polar, at codon 187 of the SLC39A13 protein (p.Ala187Val). This variant is not present in population databases (gnomAD no frequency). This variant has not been reported in the literature in individuals affected with SLC39A13-related conditions. An algorithm developed to predict the effect of missense changes on protein structure and function (PolyPhen-2) suggests that this variant is likely to be tolerated. In summary, the available evidence is currently insufficient to determine the role of this variant in disease. Therefore, it has been classified as a Variant of Uncertain Significance.